The following is an entry in ClinVar:

ClinVar aggregate classification (germline): Benign (1 of 4 stars; one submission).

Allele frequency attached by ClinVar (database versions not stated): gnomAD 0.10219; ESP Exome Variant Server 0.10857; ExAC 0.11580; 1000 Genomes Project 30x 0.05762; 1000 Genomes Project 0.05911; TOPMed 0.09701.
gnomAD v4.1: 194,547 of 1,508,654 alleles (13%); highest among the groups gnomAD compares: Middle Eastern, 22%; 13,623 homozygotes.

Submission:

Unidad de Genómica Garrahan, Hospital de Pediatría Garrahan
Classification: Benign. Last evaluated: 2024-01-24. Review status: criteria provided, single submitter. Criteria: ACMG Guidelines, 2015. Collection method: clinical testing. Allele origin: germline. Affected: no. Observed: 22 variant alleles.
Comment: This variant is classified as Benign based on local population frequency. This variant was detected in 23% of patients studied by a panel of primary immunodeficiencies. Number of patients: 22. Only high quality variants are reported.

NM_014314.4(RIGI):c.1924-25A>G

Gene: RIGI (RNA sensor RIG-I; minus strand). Cytogenetic location: 9p21.1.
Variant type: single nucleotide variant.
Coding change: c.1924-25A>G on transcript NM_014314.4 (MANE Select); 25 bases into the intron before coding-DNA position 1924, A replaced by G.
Molecular consequence: intron variant.
Genome position (GRCh38, 1-based): chr9:32,473,090, T>C on the plus strand (A>G on the coding strand, the complement: RIGI is on the minus strand). VCF-style: chr9-32473090-T-C. GRCh37 (hg19) VCF-style: chr9-32473088-T-C.
Other names: c.1315-25A>G (NM_001385912.1); c.1909-25A>G (NM_001385913.1); c.1918-25A>G (NM_001385907.1); c.1924-25A>G (NM_001385909.1); c.1480-25A>G (NM_001385914.1); c.1483-25A>G (NM_001385910.1).
Identifiers: ClinVar variation 2688316 (VCV002688316.2), dbSNP rs13295938, ClinGen allele CA5019627.